The following is an entry in ClinVar:

NM_170601.5(SIAE):c.1109A>G (p.Asp370Gly)

Gene: SIAE (sialic acid acetylesterase; minus strand). Cytogenetic location: 11q24.2.
Variant type: single nucleotide variant.
Coding change: c.1109A>G on transcript NM_170601.5 (MANE Select); coding-DNA position 1109, A replaced by G.
Protein change: p.Asp370Gly; replaces aspartic acid 370 with glycine.
Molecular consequence: missense variant.
Genome position (GRCh38, 1-based): chr11:124,639,725, T>C on the plus strand (A>G on the coding strand, the complement: SIAE is on the minus strand). VCF-style: chr11-124639725-T-C. GRCh37 (hg19) VCF-style: chr11-124509621-T-C.
Other names: c.1004A>G, p.Asp335Gly (NM_001199922.2); short protein forms D370G, D335G.
Identifiers: ClinVar variation 3698597 (VCV003698597.2).
Genomic context (GRCh38, chr11:124,639,725, plus strand): 5'-CAAAGAACATACACTGTTCATGCAAAGCCCAAGAAGCAATCATACCTGCCAAAAGGCGAG[T>C]CTCTATCACAGAGATCCATAGCTACAGCCATGAAAGTATTGGGCATCTTTGGGTTGGGGA-3'
Protein context (NP_733746.1, residues 360-380): MAVAMDLCDR[Asp370Gly]SPFGSIHPRD

ClinVar aggregate classification (germline): Uncertain significance (1 of 4 stars; one submission).

gnomAD v4.1: 7 of 1,613,866 alleles (0.00043%); highest among the groups gnomAD compares: Non-Finnish European, 0.00051%; no homozygotes.

Submission:

Labcorp Genetics (formerly Invitae), Labcorp
Classification: Uncertain significance. Last evaluated: 2026-01-11. Review status: criteria provided, single submitter. Criteria: Invitae Variant Classification Sherloc (09022015). Collection method: clinical testing. Allele origin: germline.
Comment: This sequence change replaces aspartic acid, which is acidic and polar, with glycine, which is neutral and non-polar, at codon 370 of the SIAE protein (p.Asp370Gly). This variant is present in population databases (rs763388631, gnomAD 0.0009%). This variant has not been reported in the literature in individuals affected with SIAE-related conditions. ClinVar contains an entry for this variant (Variation ID: 3698597). An algorithm developed to predict the effect of missense changes on protein structure and function (PolyPhen-2) suggests that this variant is likely to be tolerated. In summary, the available evidence is currently insufficient to determine the role of this variant in disease. Therefore, it has been classified as a Variant of Uncertain Significance.